The following is an entry in ClinVar:

NM_001046.3(SLC12A2):c.1737C>T (p.Ser579=)

Gene: SLC12A2 (solute carrier family 12 member 2; plus strand). Cytogenetic location: 5q23.3.
Variant type: single nucleotide variant.
Coding change: c.1737C>T on transcript NM_001046.3 (MANE Select); coding-DNA position 1737, C replaced by T.
Protein change: p.Ser579=; no amino-acid change (serine 579 retained).
Molecular consequence: synonymous variant. On other transcripts: non-coding transcript variant (1).
Genome position (GRCh38, 1-based): chr5:128,141,945, C>T. VCF-style: chr5-128141945-C-T. GRCh37 (hg19) VCF-style: chr5-127477637-C-T.
Other names: c.1737C>T, p.Ser579= (NM_001256461.2).
Identifiers: ClinVar variation 4873474 (VCV004873474.2).

ClinVar aggregate classification (germline): Likely benign (1 of 4 stars; one submission).

gnomAD v4.1: 2 of 1,613,924 alleles (0.00012%); highest among the groups gnomAD compares: Non-Finnish European, 0.00017%; no homozygotes.

Submission:

CeGaT Center for Human Genetics Tuebingen
Classification: Likely benign. Last evaluated: 2026-05-01. Review status: criteria provided, single submitter. Criteria: CeGaT Center For Human Genetics Tuebingen Variant Classification Criteria Version 2. Collection method: clinical testing. Allele origin: germline. Affected: yes. Observed: 1 variant allele.
Comment: SLC12A2: BP4, BP7